The following is an entry in ClinVar:

NM_001365999.1(SZT2):c.6872G>A (p.Gly2291Asp)

Gene: SZT2 (SZT2 subunit of KICSTOR complex; plus strand). Cytogenetic location: 1p34.2.
Variant type: single nucleotide variant.
Coding change: c.6872G>A on transcript NM_001365999.1 (MANE Select); coding-DNA position 6872, G replaced by A.
Protein change: p.Gly2291Asp; replaces glycine 2291 with aspartic acid.
Molecular consequence: missense variant.
Genome position (GRCh38, 1-based): chr1:43,439,437, G>A. VCF-style: chr1-43439437-G-A. GRCh37 (hg19) VCF-style: chr1-43905108-G-A.
Other names: c.6701G>A, p.Gly2234Asp (NM_015284.4); short protein forms G2234D, G2291D.
Identifiers: ClinVar variation 954137 (VCV000954137.9), dbSNP rs746622333, ClinGen allele CA810037.

ClinVar aggregate classification (germline): Uncertain significance (1 of 4 stars; one submission).

Allele frequency attached by ClinVar (database versions not stated): ExAC 0.00001; gnomAD exomes 0.00001.
gnomAD v4.1: 4 of 1,611,162 alleles (0.00025%); highest among the groups gnomAD compares: Non-Finnish European, 0.00034%; no homozygotes.

Submission:

Labcorp Genetics (formerly Invitae), Labcorp
Classification: Uncertain significance. Last evaluated: 2019-08-27. Review status: criteria provided, single submitter. Criteria: Invitae Variant Classification Sherloc (09022015). Collection method: clinical testing. Allele origin: germline.
Comment: In summary, the available evidence is currently insufficient to determine the role of this variant in disease. Therefore, it has been classified as a Variant of Uncertain Significance. Algorithms developed to predict the effect of missense changes on protein structure and function are either unavailable or do not agree on the potential impact of this missense change (SIFT: "Tolerated"; PolyPhen-2: "Probably Damaging"; Align-GVGD: "Class C0"). This variant has not been reported in the literature in individuals with SZT2-related conditions. This variant is present in population databases (rs746622333, ExAC 0.002%). This sequence change replaces glycine with aspartic acid at codon 2234 of the SZT2 protein (p.Gly2234Asp). The glycine residue is highly conserved and there is a moderate physicochemical difference between glycine and aspartic acid.